The following is an entry in ClinVar:

ClinVar aggregate classification (germline): Uncertain significance (1 of 4 stars; one submission).

Conditions:
Autosomal recessive severe congenital neutropenia due to CSF3R deficiency. Also called: Neutropenia, severe congenital, 7, autosomal recessive. Identifiers: Orphanet 420702, MedGen C4310764, MONDO:0014865, OMIM 617014.

Allele frequency attached by ClinVar (database versions not stated): gnomAD exomes 0.00002 and 0.00004; ExAC 0.00003.
gnomAD v4.1: 24 of 1,611,788 alleles (0.0015%); highest among the groups gnomAD compares: South Asian, 0.024%; no homozygotes.

Submission:

Labcorp Genetics (formerly Invitae), Labcorp
Classification: Uncertain significance for Autosomal recessive severe congenital neutropenia due to CSF3R deficiency. Last evaluated: 2025-07-14. Review status: criteria provided, single submitter. Criteria: Invitae Variant Classification Sherloc (09022015). Collection method: clinical testing. Allele origin: germline.
Comment: This sequence change replaces lysine, which is basic and polar, with arginine, which is basic and polar, at codon 49 of the CSF3R protein (p.Lys49Arg). This variant is present in population databases (rs766274573, gnomAD 0.03%). This variant has not been reported in the literature in individuals affected with CSF3R-related conditions. ClinVar contains an entry for this variant (Variation ID: 1476513). Invitae Evidence Modeling of protein sequence and biophysical properties (such as structural, functional, and spatial information, amino acid conservation, physicochemical variation, residue mobility, and thermodynamic stability) indicates that this missense variant is not expected to disrupt CSF3R protein function with a negative predictive value of 80%. In summary, the available evidence is currently insufficient to determine the role of this variant in disease. Therefore, it has been classified as a Variant of Uncertain Significance.

NM_000760.4(CSF3R):c.146A>G (p.Lys49Arg)

Gene: CSF3R (colony stimulating factor 3 receptor; minus strand). Cytogenetic location: 1p34.3.
Variant type: single nucleotide variant.
Coding change: c.146A>G on transcript NM_000760.4 (MANE Select); coding-DNA position 146, A replaced by G.
Protein change: p.Lys49Arg; replaces lysine 49 with arginine.
Molecular consequence: missense variant.
Genome position (GRCh38, 1-based): chr1:36,475,592, T>C on the plus strand (A>G on the coding strand, the complement: CSF3R is on the minus strand). VCF-style: chr1-36475592-T-C. GRCh37 (hg19) VCF-style: chr1-36941193-T-C.
Other names: c.146A>G, p.Lys49Arg (NM_156039.3, NM_172313.3); short protein forms K49R.
Identifiers: ClinVar variation 1476513 (VCV001476513.8), dbSNP rs766274573, ClinGen allele CA769555.